The following is an entry in ClinVar:

NM_014363.6(SACS):c.12219del (p.Phe4073fs)

Gene: SACS (sacsin molecular chaperone; minus strand). Cytogenetic location: 13q12.12.
Variant type: Deletion.
Coding change: c.12219del on transcript NM_014363.6 (MANE Select); coding-DNA position 12219, one base deleted (T; older notation c.12219delT).
Protein change: p.Phe4073fs; shifts the reading frame from phenylalanine 4073.
Molecular consequence: frameshift variant.
Genome position (GRCh38, 1-based): chr13:23,331,657, A deleted on the plus strand (T on the coding strand, the reverse complement: SACS is on the minus strand); the first of 4 consecutive A bases (chr13:23,331,657-23,331,660); deleting any one gives the same sequence. VCF-style (leftmost placement, unchanged base first): chr13-23331656-CA-C. GRCh37 (hg19) VCF-style: chr13-23905795-CA-C.
Other names: c.11778del, p.Phe3926fs (NM_001278055.2); c.12246del, p.Phe4082fs (NM_001437336.1); short protein forms F3926fs, F4073fs, F4082fs.
Identifiers: ClinVar variation 4081784 (VCV004081784.2).

ClinVar aggregate classification (germline): Pathogenic. Review status: criteria provided, multiple submitters, no conflicts (2 of 4 stars). 2 submissions from 2 submitters: Pathogenic (2). Last evaluated 2026-01-26.

Conditions:
Spastic paraplegia. Identifiers: MedGen C0037772, HP:0001258.
Charlevoix-Saguenay spastic ataxia (SACS). Also called: Spastic ataxia of Charlevoix-Saguenay; SPASTIC ATAXIA 6, AUTOSOMAL RECESSIVE; AUTOSOMAL RECESSIVE SPASTIC ATAXIA OF CHARLEVOIX-SAGUENAY. Identifiers: Orphanet 98, MedGen C1849140, MONDO:0010041, OMIM 270550.

Submissions (2):

Labcorp Genetics (formerly Invitae), Labcorp
Classification: Pathogenic for Spastic paraplegia. Last evaluated: 2026-01-26. Review status: criteria provided, single submitter. Criteria: Invitae Variant Classification Sherloc (09022015). Collection method: clinical testing. Allele origin: germline.
Comment: This sequence change creates a premature translational stop signal (p.Phe4073Leufs*4) in the SACS gene. While this is not anticipated to result in nonsense mediated decay, it is expected to disrupt the last 507 amino acid(s) of the SACS protein. This variant is not present in population databases (gnomAD no frequency). This variant has not been reported in the literature in individuals affected with SACS-related conditions. ClinVar contains an entry for this variant (Variation ID: 4081784). This variant disrupts a region of the SACS protein in which other variant(s) (p.Tyr4538*) have been determined to be pathogenic (PMID: 15156359, 21507954; internal data). This suggests that this is a clinically significant region of the protein, and that variants that disrupt it are likely to be disease-causing. For these reasons, this variant has been classified as Pathogenic.

Myriad Genetics, Inc.
Classification: Pathogenic for Charlevoix-Saguenay spastic ataxia. Last evaluated: 2025-04-21. Review status: criteria provided, single submitter. Criteria: Myriad Autosomal Dominant, Autosomal Recessive and X-Linked Classification Criteria (2023). Collection method: clinical testing. Allele origin: unknown.
Comment: NM_014363.4(SACS):c.12219delT(F4073Lfs*4) is a frameshift variant classified as pathogenic in the context of autosomal recessive spastic ataxia of Charlevoix-Saguenay. F4073Lfs*4 has not been observed in cases with relevant disease. Relevant functional assessments of this variant are not available in the literature. F4073Lfs*4 has not been observed in referenced population frequency databases. In summary, NM_014363.4(SACS):c.12219delT(F4073Lfs*4) is a frameshift variant in a gene where loss of function is a known mechanism of disease and is predicted to disrupt protein function. Please note: this variant was assessed in the context of healthy population screening.

Literature cited by the submitters: PubMed 15156359 (cited by Labcorp Genetics (formerly Invitae), Labcorp); PubMed 21507954 (cited by Labcorp Genetics (formerly Invitae), Labcorp).